The following is an entry in ClinVar:

ClinVar aggregate classification (germline): Pathogenic. Review status: criteria provided, multiple submitters, no conflicts (2 of 4 stars). 2 submissions from 2 submitters: Pathogenic (2). Last evaluated 2024-03-15.

Conditions:
Combined oxidative phosphorylation deficiency 44. Also called: FASTKD2-Related Combined Oxidative Phosphorylation Deficiency. Identifiers: MedGen C5394293, MONDO:0030020, OMIM 618855.

Submissions (2):

Women's Health and Genetics/Laboratory Corporation of America, LabCorp
Classification: Pathogenic for Combined oxidative phosphorylation deficiency 44. Last evaluated: 2024-03-15. Review status: criteria provided, single submitter. Criteria: LabCorp Variant Classification Summary - May 2015. Collection method: clinical testing. Allele origin: germline.
Comment: Variant summary: FASTKD2 c.1644_1647delACTT (p.Leu549MetfsX6) results in a premature termination codon, predicted to cause a truncation of the encoded protein or absence of the protein due to nonsense mediated decay, which are commonly known mechanisms for disease. The variant was absent in 251252 control chromosomes (gnomAD). To our knowledge, no occurrence of c.1644_1647delACTT in individuals affected with Combined Oxidative Phosphorylation Deficiency 44 and no experimental evidence demonstrating its impact on protein function have been reported. No submitters have cited clinical-significance assessments for this variant to ClinVar. Based on the evidence outlined above, the variant was classified as pathogenic.

Labcorp Genetics (formerly Invitae), Labcorp
Classification: Pathogenic. Last evaluated: 2024-02-24. Review status: criteria provided, single submitter. Criteria: Invitae Variant Classification Sherloc (09022015). Collection method: clinical testing. Allele origin: germline.
Comment: This sequence change creates a premature translational stop signal (p.Leu549Metfs*6) in the FASTKD2 gene. It is expected to result in an absent or disrupted protein product. Loss-of-function variants in FASTKD2 are known to be pathogenic (PMID: 18771761). This variant is not present in population databases (gnomAD no frequency). This variant has not been reported in the literature in individuals affected with FASTKD2-related conditions. For these reasons, this variant has been classified as Pathogenic.

Literature cited by the submitters: PubMed 18771761 (cited by Labcorp Genetics (formerly Invitae), Labcorp).

NM_001136193.2(FASTKD2):c.1644_1647del (p.Leu549fs)

Gene: FASTKD2 (FAST kinase domains 2; plus strand). Cytogenetic location: 2q33.3.
Variant type: Deletion.
Coding change: c.1644_1647del on transcript NM_001136193.2 (MANE Select); coding-DNA positions 1644 to 1647, 4 bases deleted (ACTT; older notation c.1644_1647delACTT).
Protein change: p.Leu549fs; shifts the reading frame from leucine 549.
Molecular consequence: frameshift variant.
Genome position (GRCh38, 1-based): chr2:206,787,986-206,787,989, ACTT deleted. VCF-style (leftmost placement, unchanged base first): chr2-206787985-AACTT-A. GRCh37 (hg19) VCF-style: chr2-207652709-AACTT-A.
Other names: c.1644_1647delACTT (NM_014929.4); c.1644_1647del, p.Leu549fs (NM_001136194.2, NM_014929.4); short protein forms L549fs.
Identifiers: ClinVar variation 3233943 (VCV003233943.4), dbSNP rs2468839575, ClinGen allele CA2825001068.
Genomic context (GRCh38, chr2:206,787,985, plus strand): 5'-TTCATCTTTTAGATGACATGAAGAATGCTTACAAGCTGCATACTTTGGATACTTGTCTAA[AACTT>A]GATGATACTGTCTATCTGAGGGACATAGCCTTGTCACTCCCACAGCTGCCGCGGGAGCTG-3'